The following is an entry in ClinVar:

ClinVar aggregate classification (germline): Uncertain significance (1 of 4 stars; one submission).

Conditions:
Spongy degeneration of central nervous system. Also called: ASP DEFICIENCY; ASPA DEFICIENCY; ASPARTOACYLASE DEFICIENCY; CANAVAN-VAN BOGAERT-BERTRAND DISEASE; Canavan disease; Von Bogaert-Bertrand disease. Identifiers: Orphanet 141, MedGen C0206307, MONDO:0010079, OMIM 271900.

Submission:

Labcorp Genetics (formerly Invitae), Labcorp
Classification: Uncertain significance for Spongy degeneration of central nervous system. Last evaluated: 2022-05-20. Review status: criteria provided, single submitter. Criteria: Invitae Variant Classification Sherloc (09022015). Collection method: clinical testing. Allele origin: germline.
Comment: In summary, the available evidence is currently insufficient to determine the role of this variant in disease. Therefore, it has been classified as a Variant of Uncertain Significance. Experimental studies and prediction algorithms are not available or were not evaluated, and the functional significance of this variant is currently unknown. This variant has not been reported in the literature in individuals affected with ASPA-related conditions. This variant results in a copy number gain of the genomic region encompassing exon(s) 1-2 of the ASPA gene. This region includes the initiator codon of the gene. This copy number gain extends beyond the assayed region for this gene and therefore may encompass additional genes. As the precise location of this event is unknown, it may be in tandem or it may be located elsewhere in the genome.

NC_000017.10:g.(?_3379454)_(3385112_?)dup

Gene: ASPA (aspartoacylase; plus strand). Cytogenetic location: 17p13.2.
Variant type: Duplication.
Identifiers: ClinVar variation 2422205 (VCV002422205.4).